The following is an entry in ClinVar:

ClinVar aggregate classification (germline): Conflicting classifications of pathogenicity. Review status: criteria provided, conflicting classifications (1 of 4 stars). 10 submissions from 9 submitters: Uncertain significance (4); Likely benign (5). 1 of the submissions does not count toward it. Last evaluated 2026-06-16.

Conditions:
Hereditary nonpolyposis colorectal neoplasms. Identifiers: MedGen C0009405, MeSH D003123.
Mismatch repair cancer syndrome 4. Identifiers: MedGen C5436817, MONDO:0030843, OMIM 619101.
Hereditary cancer-predisposing syndrome. Also called: Tumor predisposition; Neoplastic Syndromes, Hereditary; Hereditary Cancer Syndrome; Hereditary neoplastic syndrome. Identifiers: Orphanet 140162, MedGen C0027672, MeSH D009386, MONDO:0015356.
Carcinoma of colon (CRC). Also called: Colonic carcinoma; Colon carcinoma. Identifiers: MedGen C0699790, MONDO:0002032.
Lynch syndrome. Identifiers: Orphanet 144, MedGen C4552100, MONDO:0005835. Disease mechanism: loss of function.

Allele frequency attached by ClinVar (database versions not stated): gnomAD 0.00001 and below 0.00001; ExAC 0.00014; 1000 Genomes Project 30x 0.00016; TOPMed below 0.00001; gnomAD exomes 0.00013; 1000 Genomes Project 0.00020.
gnomAD v4.1: 91 of 1,601,512 alleles (0.0057%); highest among the groups gnomAD compares: South Asian, 0.094%; 2 homozygotes.

Submissions (10):

Women's Health and Genetics/Laboratory Corporation of America, LabCorp
Classification: Uncertain significance. Last evaluated: 2026-06-16. Review status: criteria provided, single submitter. Criteria: LabCorp Variant Classification Summary - May 2015. Collection method: clinical testing. Allele origin: germline.
Comment: Variant summary: PMS2 c.935T>C (p.Met312Thr) results in a non-conservative amino acid change in the encoded protein sequence. Algorithms developed to predict the effect of missense changes on protein structure and function are either unavailable or do not agree on the potential impact of this missense change. The variant allele was found at a frequency of 0.00013 in 251298 control chromosomes in the gnomAD database, including 1 homozygotes. The observed variant frequency exceeds the estimated maximal expected allele frequency for disease-causing variants in PMS2. c.935T>C has been reported in the literature in individuals affected with Hereditary Nonpolyposis Colorectal Cancer (Tung_2016) and Breast/Thyroid cancer (Bhai_2021). These report(s) do not provide unequivocal conclusions about association of the variant with disease. To our knowledge, no experimental evidence demonstrating an impact on protein function has been reported. The following publications have been ascertained in the context of this evaluation (PMID: 34326862, 26976419). ClinVar contains an entry for this variant (Variation ID: 215759). Based on the evidence outlined above, the variant was classified as VUS-possibly benign.

Labcorp Genetics (formerly Invitae), Labcorp
Classification: Likely benign for Hereditary nonpolyposis colorectal neoplasms. Last evaluated: 2026-01-19. Review status: criteria provided, single submitter. Criteria: Invitae Variant Classification Sherloc (09022015). Collection method: clinical testing. Allele origin: germline.

Quest Diagnostics Nichols Institute San Juan Capistrano
Classification: Uncertain significance. Last evaluated: 2025-07-24. Review status: criteria provided, single submitter. Criteria: Quest Diagnostics criteria. Collection method: clinical testing. Allele origin: unknown.
Comment: The PMS2 c.935T>C (p.Met312Thr) variant has been reported in the published literature in individuals affected with breast cancer (PMID: 26976419 (2016), 33471991 (2021), see also LOVD, 34326862 (2021)) and thyroid cancer (PMID: 34326862 (2021)). This variant has also been observed in reportedly unaffected individuals (PMID: 33471991 (2021), see also LOVD). The frequency of this variant in the general population (Genome Aggregation Database) is higher than would generally be expected for pathogenic variants in this gene. Analysis of this variant using bioinformatics tools for the prediction of the effect of amino acid changes on protein structure and function yielded predictions that this variant is benign. Based on the available information, we are unable to determine the clinical significance of this variant.

GeneDx
Classification: Uncertain significance. Last evaluated: 2025-04-16. Review status: criteria provided, single submitter. Criteria: GeneDx Variant Classification Process June 2021. Collection method: clinical testing. Allele origin: germline. Affected: yes.
Comment: In silico analysis supports that this missense variant has a deleterious effect on protein structure/function; This variant is associated with the following publications: (PMID: 11574484, 34326862, 26976419)

All of Us Research Program, National Institutes of Health
Classification: Likely benign for Lynch syndrome. Last evaluated: 2023-11-20. Review status: criteria provided, single submitter. Criteria: ACMG Guidelines, 2015. Collection method: clinical testing. Allele origin: germline. Inheritance: Autosomal dominant inheritance. Observed: 3 variant alleles, 3 heterozygotes.
Comment: This study involves interpretation of variants in research participants for the purpose of population health screening. Participant phenotype was not available at the time of variant classification. Additional details can be found in publication PMID: 35346344, PMCID: PMC8962531

Ambry Genetics
Classification: Likely benign for Hereditary cancer-predisposing syndrome. Last evaluated: 2023-03-06. Review status: criteria provided, single submitter. Criteria: Ambry Variant Classification Scheme 2023. Collection method: clinical testing. Allele origin: germline.

Revvity Omics, Revvity
Classification: Uncertain significance. Last evaluated: 2022-05-16. Review status: criteria provided, single submitter. Criteria: ACMG Guidelines, 2015. Collection method: clinical testing. Allele origin: germline.

Department of Pathology and Laboratory Medicine, Sinai Health System
Classification: Likely benign for Mismatch repair cancer syndrome 4. Last evaluated: 2019-04-01. Review status: criteria provided, single submitter. Criteria: ACMG Guidelines, 2015. Collection method: research. Allele origin: germline.

Color Diagnostics, LLC DBA Color Health
Classification: Likely benign for Hereditary cancer-predisposing syndrome. Last evaluated: 2017-06-07. Review status: criteria provided, single submitter. Criteria: ACMG Guidelines, 2015. Collection method: clinical testing. Allele origin: germline.

Department of Pathology and Laboratory Medicine, Sinai Health System
Classification: Likely benign for Carcinoma of colon. Review status: no assertion criteria provided. Collection method: clinical testing. Allele origin: unknown. Affected: yes. Observed: 2 variant alleles. Study: The Canadian Open Genetics Repository (COGR). Not counted in ClinVar's aggregate classification.
Comment: The PMS2 p.Met312Thr variant was identified in 1 of 976 proband chromosomes (frequency: 0.001) from individuals or families with breast cancer (Tung_20016_26976419). The variant was also identified in dbSNP (ID: rs530021751) â€šÃ„ÃºWith Uncertain significance alleleâ€šÃ„Ã¹, ClinVar (classified likely benign by Invitae and uncertain significance by GeneDx), Clinvitae (2x), and in control databases in 30 (1 homozygous) of 246124 chromosomes at a frequency of 0.0001 (Genome Aggregation Database Feb 27, 2017). It was observed in the following populations: â€šÃ„ÃºOtherâ€šÃ„Ã¹ in 3 of 5482 chromosomes (freq: 0.0005) and South Asian in 27 (1 homozygous) of 30780 chromosomes (freq: 0.0009); it was not observed in the African, Latino, European Non-Finnish, Ashkenazi Jewish, East Asian and European Finnish populations. The variant was not found in the COGR, Cosmic, MutDB, Insight Colon Cancer Gene Variant Database, Zhejiang Colon Cancer Database, Mismatch Repair Genes Variant Database, or Insight Hereditary Tumors Database. The p.Met312 residue is not conserved in mammals and computational analyses (PolyPhen-2, SIFT, AlignGVGD, BLOSUM, MutationTaster) provide inconsistent predictions regarding the impact of Thr to the protein; this information is not very predictive of pathogenicity. The variant occurs outside of the splicing consensus sequence and in silico or computational prediction software programs (SpliceSiteFinder, MaxEntScan, NNSPLICE, GeneSplicer, HumanSpliceFinder) do not predict a difference in splicing. In summary, based on the above information this variant meets our laboratory's criteria to be classified as likely benign.

Literature cited by the submitters: PubMed 26976419 (cited by 3 submitters); PubMed 34326862 (cited by Women's Health and Genetics/Laboratory Corporation of America, LabCorp and Quest Diagnostics Nichols Institute San Juan Capistrano); PubMed 33471991 (cited by Quest Diagnostics Nichols Institute San Juan Capistrano).

NM_000535.7(PMS2):c.935T>C (p.Met312Thr)

Gene: PMS2 (PMS1 homolog 2, mismatch repair system component; minus strand). Cytogenetic location: 7p22.1.
Variant type: single nucleotide variant.
Coding change: c.935T>C on transcript NM_000535.7 (MANE Select); coding-DNA position 935, T replaced by C.
Protein change: p.Met312Thr; replaces methionine 312 with threonine.
Molecular consequence: missense variant. On other transcripts: initiator codon variant (2), non-coding transcript variant (1).
Genome position (GRCh38, 1-based): chr7:5,992,026, A>G on the plus strand (T>C on the coding strand, the complement: PMS2 is on the minus strand). VCF-style: chr7-5992026-A-G. GRCh37 (hg19) VCF-style: chr7-6031657-A-G.
Other names: c.530T>C, p.Met177Thr (NM_001322003.2, NM_001322004.2, NM_001322005.2 and 2 more transcripts); c.935T>C, p.Met312Thr (NM_001322006.2, NM_001322014.2); c.617T>C, p.Met206Thr (NM_001322007.2, NM_001322008.2); c.2T>C, p.Met1Thr (NM_001322011.2, NM_001322012.2); c.362T>C, p.Met121Thr (NM_001322013.2); c.626T>C, p.Met209Thr (NM_001322015.2); short protein forms M312T, M177T, M1T, M209T, M121T, M206T.
Identifiers: ClinVar variation 215759 (VCV000215759.32), dbSNP rs530021751, ClinGen allele CA052531.